The following is an entry in ClinVar:

NM_006164.5(NFE2L2):c.1811A>G (p.Lys604Arg)

Gene: NFE2L2 (NFE2 like bZIP transcription factor 2; minus strand). Cytogenetic location: 2q31.2.
Variant type: single nucleotide variant.
Coding change: c.1811A>G on transcript NM_006164.5 (MANE Select); coding-DNA position 1811, A replaced by G.
Protein change: p.Lys604Arg; replaces lysine 604 with arginine.
Molecular consequence: missense variant.
Genome position (GRCh38, 1-based): chr2:177,230,792, T>C on the plus strand (A>G on the coding strand, the complement: NFE2L2 is on the minus strand). VCF-style: chr2-177230792-T-C. GRCh37 (hg19) VCF-style: chr2-178095520-T-C.
Other names: c.1763A>G, p.Lys588Arg (NM_001145412.3, NM_001313900.1, NM_001313901.1); c.1742A>G, p.Lys581Arg (NM_001145413.3); c.1721A>G, p.Lys574Arg (NM_001313902.2); c.1592A>G, p.Lys531Arg (NM_001313903.2); c.1511A>G, p.Lys504Arg (NM_001313904.1); short protein forms K531R, K581R, K504R, K574R, K588R, K604R.
Identifiers: ClinVar variation 1931634 (VCV001931634.5), dbSNP rs1015105997, ClinGen allele CA60882455.
Genomic context (GRCh38, chr2:177,230,792, plus strand): 5'-TTAGTATAATAGTACAAAAAAACTAGCTCAGAAAAGGTCAAATCCTCCTAAATCTAGTTT[T>C]TCTTAACATCTGGCTTCTTACTTTTGGGAACAAGGAAAACATTGCCATCTCTTGTTTGCT-3'
Protein context (NP_006155.2, residues 594-605): VPKSKKPDVK[Lys604Arg]N

ClinVar aggregate classification (germline): Uncertain significance (1 of 4 stars; one submission).

Allele frequency attached by ClinVar (database versions not stated): gnomAD 0.00003.
gnomAD v4.1: 9 of 1,578,606 alleles (0.00057%); highest among the groups gnomAD compares: African/African-American, 0.0069%; no homozygotes.

Submission:

Labcorp Genetics (formerly Invitae), Labcorp
Classification: Uncertain significance. Last evaluated: 2022-02-07. Review status: criteria provided, single submitter. Criteria: Invitae Variant Classification Sherloc (09022015). Collection method: clinical testing. Allele origin: germline.
Comment: In summary, the available evidence is currently insufficient to determine the role of this variant in disease. Therefore, it has been classified as a Variant of Uncertain Significance. Algorithms developed to predict the effect of missense changes on protein structure and function output the following: SIFT: "Tolerated"; PolyPhen-2: "Benign"; Align-GVGD: "Class C0". The arginine amino acid residue is found in multiple mammalian species, which suggests that this missense change does not adversely affect protein function. This variant has not been reported in the literature in individuals affected with NFE2L2-related conditions. This variant is present in population databases (no rsID available, gnomAD 0.01%). This sequence change replaces lysine, which is basic and polar, with arginine, which is basic and polar, at codon 604 of the NFE2L2 protein (p.Lys604Arg).